The following is an entry in ClinVar:

NM_006946.4(SPTBN2):c.2191C>T (p.Arg731Trp)

Gene: SPTBN2 (spectrin beta, non-erythrocytic 2; minus strand). Cytogenetic location: 11q13.2.
Variant type: single nucleotide variant.
Coding change: c.2191C>T on transcript NM_006946.4 (MANE Select); coding-DNA position 2191, C replaced by T.
Protein change: p.Arg731Trp; replaces arginine 731 with tryptophan.
Molecular consequence: missense variant.
Genome position (GRCh38, 1-based): chr11:66,705,085, G>A on the plus strand (C>T on the coding strand, the complement: SPTBN2 is on the minus strand). VCF-style: chr11-66705085-G-A. GRCh37 (hg19) VCF-style: chr11-66472556-G-A.
Other names: c.2212C>T, p.Arg738Trp (NM_001411025.1); short protein forms R731W, R738W.
Identifiers: ClinVar variation 1709271 (VCV001709271.2), dbSNP rs887515522, ClinGen allele CA224086067.
Genomic context (GRCh38, chr11:66,705,085, plus strand): 5'-GGTAGAGGCTGGCGGCTTGGGCCAGCCGCTGGGCACGCTCCTCGGCCAGGGCCTCTAGCC[G>A]CTCCCACTGGGCTTGGAGTTCAGCTGCACGGGCAGAGGCCTGGCTTGCCCCAGGGTGACC-3'
Protein context (NP_008877.2, residues 721-741): RAAELQAQWE[Arg731Trp]LEALAEERAQ

ClinVar aggregate classification (germline): Uncertain significance (1 of 4 stars; one submission).

Conditions:
Spinocerebellar ataxia type 5 (SCA5). Identifiers: Orphanet 98766, MedGen C0752123, MONDO:0010848, OMIM 600224.

Allele frequency attached by ClinVar (database versions not stated): gnomAD 0.00001; gnomAD exomes 0.00002; TOPMed 0.00002.
gnomAD v4.1: 33 of 1,573,360 alleles (0.0021%); highest among the groups gnomAD compares: Middle Eastern, 0.033%; no homozygotes.

Submission:

MGZ Medical Genetics Center
Classification: Uncertain significance for Spinocerebellar ataxia type 5. Last evaluated: 2022-03-22. Review status: criteria provided, single submitter. Criteria: ACMG Guidelines, 2015. Collection method: clinical testing. Allele origin: germline. Affected: yes. Observed: 1 variant allele.
Comment: ACMG criteria applied: PM2_SUP, BP4